The following is an entry in ClinVar:

ClinVar aggregate classification (germline): Uncertain significance (1 of 4 stars; one submission).

Conditions:
Congenital contractural arachnodactyly (CCA). Also called: BEALS SYNDROME; Arthrogryposis, distal, type 9; Beals-Hecht syndrome. Identifiers: Orphanet 115, MedGen C0220668, MONDO:0007363, OMIM 121050.

Submission:

Labcorp Genetics (formerly Invitae), Labcorp
Classification: Uncertain significance for Congenital contractural arachnodactyly. Last evaluated: 2025-05-17. Review status: criteria provided, single submitter. Criteria: Invitae Variant Classification Sherloc (09022015). Collection method: clinical testing. Allele origin: germline.
Comment: This sequence change replaces arginine, which is basic and polar, with lysine, which is basic and polar, at codon 2286 of the FBN2 protein (p.Arg2286Lys). This variant is not present in population databases (gnomAD no frequency). This variant has not been reported in the literature in individuals affected with FBN2-related conditions. Invitae Evidence Modeling of protein sequence and biophysical properties (such as structural, functional, and spatial information, amino acid conservation, physicochemical variation, residue mobility, and thermodynamic stability) has been performed for this missense variant. However, the output from this modeling did not meet the statistical confidence thresholds required to predict the impact of this variant on FBN2 protein function. In summary, the available evidence is currently insufficient to determine the role of this variant in disease. Therefore, it has been classified as a Variant of Uncertain Significance.

NM_001999.4(FBN2):c.6857G>A (p.Arg2286Lys)

Gene: FBN2 (fibrillin 2; minus strand). Cytogenetic location: 5q23.3.
Variant type: single nucleotide variant.
Coding change: c.6857G>A on transcript NM_001999.4 (MANE Select); coding-DNA position 6857, G replaced by A.
Protein change: p.Arg2286Lys; replaces arginine 2286 with lysine.
Molecular consequence: missense variant.
Genome position (GRCh38, 1-based): chr5:128,287,331, C>T on the plus strand (G>A on the coding strand, the complement: FBN2 is on the minus strand). VCF-style: chr5-128287331-C-T. GRCh37 (hg19) VCF-style: chr5-127623023-C-T.
Other names: short protein forms R2286K.
Identifiers: ClinVar variation 4743930 (VCV004743930.1).